The following is an entry in ClinVar:

NM_144596.4(TTC8):c.470G>A (p.Arg157Lys)

Gene: TTC8 (tetratricopeptide repeat domain 8; plus strand). Cytogenetic location: 14q31.3.
Variant type: single nucleotide variant.
Coding change: c.470G>A on transcript NM_144596.4 (MANE Select); coding-DNA position 470, G replaced by A.
Protein change: p.Arg157Lys; replaces arginine 157 with lysine.
Molecular consequence: missense variant. On other transcripts: 5 prime UTR variant (2), non-coding transcript variant (1).
Genome position (GRCh38, 1-based): chr14:88,841,177, G>A. VCF-style: chr14-88841177-G-A. GRCh37 (hg19) VCF-style: chr14-89307521-G-A.
Other names: c.440G>A, p.Arg147Lys (NM_001288781.1, NM_001366535.2, NM_001366536.2 and 2 more transcripts); c.-123G>A (NM_001288782.1); c.-218G>A (NM_001288783.1); short protein forms R147K, R157K.
Identifiers: ClinVar variation 3346124 (VCV003346124.1).

ClinVar aggregate classification (germline): Uncertain significance (0 of 4 stars; one submission).

Conditions:
TTC8-related disorder. Also called: TTC8-related condition.

Submission:

PreventionGenetics, part of Exact Sciences
Classification: Uncertain significance for TTC8-related condition. Last evaluated: 2024-06-19. Review status: no assertion criteria provided. Collection method: clinical testing. Allele origin: germline.
Comment: The TTC8 c.470G>A variant is predicted to result in the amino acid substitution p.Arg157Lys. To our knowledge, this variant has not been reported in the literature or in a large population database, indicating this variant is rare. At this time, the clinical significance of this variant is uncertain due to the absence of conclusive functional and genetic evidence.